The following is an entry in ClinVar:

NC_000019.9:g.(?_13409338)_(13411490_?)del

Gene: CACNA1A (calcium voltage-gated channel subunit alpha1 A; minus strand). Cytogenetic location: 19p13.2.
Variant type: Deletion.
Identifiers: ClinVar variation 3248499 (VCV003248499.1).

ClinVar aggregate classification (germline): Pathogenic (1 of 4 stars; one submission).

Conditions:
Episodic ataxia type 2 (EA2). Also called: ATAXIA, EPISODIC, WITH NYSTAGMUS; ATAXIA, FAMILIAL PAROXYSMAL; CEREBELLAR ATAXIA, PAROXYSMAL, ACETAZOLAMIDE-RESPONSIVE; CEREBELLOPATHY, HEREDITARY PAROXYSMAL; EPISODIC ATAXIA, NYSTAGMUS-ASSOCIATED; ACETAZOLAMIDE-RESPONSIVE HEREDITARY PAROXYSMAL CEREBELLAR ATAXIA. Identifiers: Orphanet 97, MedGen C1720416, MONDO:0007163, OMIM 108500.
Developmental and epileptic encephalopathy, 42 (DEE42A). Also called: DEVELOPMENTAL AND EPILEPTIC ENCEPHALOPATHY 42A; EPILEPTIC ENCEPHALOPATHY, EARLY INFANTILE, 42A; Epileptic encephalopathy, early infantile, 42. Identifiers: MedGen C4310716, MONDO:0014917, OMIM 617106.

Submission:

Labcorp Genetics (formerly Invitae), Labcorp
Classification: Pathogenic for Developmental and epileptic encephalopathy, 42; Episodic ataxia type 2. Last evaluated: 2023-11-27. Review status: criteria provided, single submitter. Criteria: Invitae Variant Classification Sherloc (09022015). Collection method: clinical testing. Allele origin: unknown.
Comment: This variant is a gross deletion of the genomic region encompassing exon(s) 18-19 of the CACNA1A gene. This deletion is out-of-frame, and is expected to create a premature termination codon and result in an absent or disrupted protein product. Loss-of-function variants in CACNA1A are known to be pathogenic (PMID: 10371528, 19486177, 25735478, 27250579). This variant has not been reported in the literature in individuals affected with CACNA1A-related conditions. For these reasons, this variant has been classified as Pathogenic.

Literature cited by the submitters: PubMed 10371528; PubMed 19486177; PubMed 25735478; PubMed 27250579.